The following is an entry in ClinVar:

ClinVar aggregate classification (germline): Conflicting classifications of pathogenicity. Review status: criteria provided, conflicting classifications (1 of 4 stars). 4 submissions from 4 submitters: Uncertain significance (2); Benign (1). 1 of the submissions does not count toward it. Last evaluated 2025-08-12.

Conditions:
PIEZO1-related disorder. Also called: PIEZO1-related condition; PIEZO1-Related Disorders.

Allele frequency attached by ClinVar (database versions not stated): TOPMed 0.00015; gnomAD 0.00019; ExAC 0.00022; gnomAD exomes 0.00014.
gnomAD v4.1: 282 of 1,549,860 alleles (0.018%); highest among the groups gnomAD compares: African/African-American, 0.03%; 1 homozygote.

Submissions (4):

Labcorp Genetics (formerly Invitae), Labcorp
Classification: Benign. Last evaluated: 2025-08-12. Review status: criteria provided, single submitter. Criteria: Invitae Variant Classification Sherloc (09022015). Collection method: clinical testing. Allele origin: germline.

Revvity Omics, Revvity
Classification: Uncertain significance. Last evaluated: 2024-07-24. Review status: criteria provided, single submitter. Criteria: ACMG Guidelines, 2015. Collection method: clinical testing. Allele origin: germline.

ARUP Laboratories, Molecular Genetics and Genomics, ARUP Laboratories
Classification: Uncertain significance. Last evaluated: 2022-04-07. Review status: criteria provided, single submitter. Criteria: ARUP Molecular Germline Variant Investigation Process 2021. Collection method: clinical testing. Allele origin: germline.

PreventionGenetics, part of Exact Sciences
Classification: Uncertain significance for PIEZO1-related condition. Last evaluated: 2024-05-28. Review status: no assertion criteria provided. Collection method: clinical testing. Allele origin: germline. Not counted in ClinVar's aggregate classification.
Comment: The PIEZO1 c.3778G>A variant is predicted to result in the amino acid substitution p.Val1260Ile. To our knowledge, this variant has not been reported in the literature. This variant is reported in 0.048% of alleles in individuals of African descent in gnomAD. At this time, the clinical significance of this variant is uncertain due to the absence of conclusive functional and genetic evidence.

NM_001142864.4(PIEZO1):c.3778G>A (p.Val1260Ile)

Gene: PIEZO1 (piezo type mechanosensitive ion channel component 1 (Er blood group); minus strand). Cytogenetic location: 16q24.3.
Variant type: single nucleotide variant.
Coding change: c.3778G>A on transcript NM_001142864.4 (MANE Select); coding-DNA position 3778, G replaced by A.
Protein change: p.Val1260Ile; replaces valine 1260 with isoleucine.
Molecular consequence: missense variant.
Genome position (GRCh38, 1-based): chr16:88,726,565, C>T on the plus strand (G>A on the coding strand, the complement: PIEZO1 is on the minus strand). VCF-style: chr16-88726565-C-T. GRCh37 (hg19) VCF-style: chr16-88792973-C-T.
Other names: c.3778G>A (NM_001142864.3); short protein forms V1260I.
Identifiers: ClinVar variation 993890 (VCV000993890.17), dbSNP rs776788949, ClinGen allele CA8232366.
Genomic context (GRCh38, chr16:88,726,565, plus strand): 5'-GGCTTCCCCACGCCCTCCCCCGCCACCGTCCTGGCCACTCACGGTCATAGTAGCCCTTGA[C>T]GGTGCATACAAGGCTGAAGAGCTGGATGACCCAGCAGAAGCCGGTCTGCATCTGCTCCAC-3'
Protein context (NP_001136336.2, residues 1250-1270): VIQLFSLVCT[Val1260Ile]KGYYDPKEMM